The following is an entry in ClinVar:

ClinVar aggregate classification (germline): Conflicting classifications of pathogenicity. Review status: criteria provided, conflicting classifications (1 of 4 stars). 3 submissions from 3 submitters: Uncertain significance (2); Likely benign (1). Last evaluated 2023-04-01.

Conditions:
Junctional epidermolysis bullosa with pyloric atresia. Also called: Epidermolysis bullosa, junctional, with pyloric atresia and aplasia cutis congenita; Epidermolysis bullosa junctionalis with pyloric atresia; APLASIA CUTIS CONGENITA WITH GASTROINTESTINAL ATRESIA; CARMI SYNDROME; EB-PA-ACC; EPIDERMOLYSIS BULLOSA, JUNCTIONAL 5B, WITH PYLORIC ATRESIA. Identifiers: Orphanet 79403, MedGen C5676875, MONDO:0009183, OMIM 226730.

Allele frequency attached by ClinVar (database versions not stated): 1000 Genomes Project 0.00220; 1000 Genomes Project 30x 0.00281; TOPMed 0.00466; gnomAD 0.00587 and 0.00591.

Submissions (3):

CeGaT Center for Human Genetics Tuebingen
Classification: Likely benign. Last evaluated: 2023-04-01. Review status: criteria provided, single submitter. Criteria: CeGaT Center For Human Genetics Tuebingen Variant Classification Criteria Version 2. Collection method: clinical testing. Allele origin: germline. Affected: yes. Observed: 3 variant alleles.
Comment: ITGB4: BS2

Illumina Laboratory Services, Illumina
Classification: Uncertain significance for Junctional epidermolysis bullosa with pyloric atresia. Last evaluated: 2018-01-13. Review status: criteria provided, single submitter. Criteria: ICSL Variant Classification Criteria 13 December 2019. Collection method: clinical testing. Allele origin: germline.

Breakthrough Genomics
Classification: Uncertain significance. Review status: criteria provided, single submitter. Criteria: ACMG Guidelines, 2015. Collection method: not provided. Allele origin: germline. Inheritance: Autosomal recessive inheritance. Affected: yes.

NM_000213.5(ITGB4):c.-125G>C

Gene: ITGB4 (integrin subunit beta 4; plus strand). Cytogenetic location: 17q25.1.
Variant type: single nucleotide variant.
Coding change: c.-125G>C on transcript NM_000213.5 (MANE Select); 125 bases upstream of the start codon, G replaced by C.
Molecular consequence: 5 prime UTR variant.
Genome position (GRCh38, 1-based): chr17:75,721,498, G>C. VCF-style: chr17-75721498-G-C. GRCh37 (hg19) VCF-style: chr17-73717578-G-C.
Other names: c.-125G>C (NM_001005731.3); c.-76G>C (NM_001321123.2).
Identifiers: ClinVar variation 325118 (VCV000325118.34), dbSNP rs552008042, ClinGen allele CA10640511.